The following is an entry in ClinVar:

NM_001197104.2(KMT2A):c.3770G>A (p.Ser1257Asn)

Gene: KMT2A (lysine methyltransferase 2A; plus strand). Cytogenetic location: 11q23.3.
Variant type: single nucleotide variant.
Coding change: c.3770G>A on transcript NM_001197104.2 (MANE Select); coding-DNA position 3770, G replaced by A.
Protein change: p.Ser1257Asn; replaces serine 1257 with asparagine.
Molecular consequence: missense variant.
Genome position (GRCh38, 1-based): chr11:118,481,850, G>A. VCF-style: chr11-118481850-G-A. GRCh37 (hg19) VCF-style: chr11-118352565-G-A.
Other names: c.3869G>A, p.Ser1290Asn (NM_001412597.1); c.3770G>A, p.Ser1257Asn (NM_005933.4); short protein forms S1257N, S1290N.
Identifiers: ClinVar variation 2896874 (VCV002896874.3), dbSNP rs988213215, ClinGen allele CA382827803.

ClinVar aggregate classification (germline): Uncertain significance (1 of 4 stars; one submission).

gnomAD v4.1: 7 of 1,614,028 alleles (0.00043%); highest among the groups gnomAD compares: Non-Finnish European, 0.00059%; no homozygotes.

Submission:

Labcorp Genetics (formerly Invitae), Labcorp
Classification: Uncertain significance. Last evaluated: 2023-08-19. Review status: criteria provided, single submitter. Criteria: Invitae Variant Classification Sherloc (09022015). Collection method: clinical testing. Allele origin: germline.
Comment: In summary, the available evidence is currently insufficient to determine the role of this variant in disease. Therefore, it has been classified as a Variant of Uncertain Significance. Advanced modeling of protein sequence and biophysical properties (such as structural, functional, and spatial information, amino acid conservation, physicochemical variation, residue mobility, and thermodynamic stability) performed at Invitae indicates that this missense variant is not expected to disrupt KMT2A protein function. This variant has not been reported in the literature in individuals affected with KMT2A-related conditions. This variant is not present in population databases (gnomAD no frequency). This sequence change replaces serine, which is neutral and polar, with asparagine, which is neutral and polar, at codon 1257 of the KMT2A protein (p.Ser1257Asn).